The following is an entry in ClinVar:

NM_000081.4(LYST):c.2677G>A (p.Val893Ile)

Gene: LYST (lysosomal trafficking regulator; minus strand). Cytogenetic location: 1q42.3.
Variant type: single nucleotide variant.
Coding change: c.2677G>A on transcript NM_000081.4 (MANE Select); coding-DNA position 2677, G replaced by A.
Protein change: p.Val893Ile; replaces valine 893 with isoleucine.
Molecular consequence: missense variant.
Genome position (GRCh38, 1-based): chr1:235,806,459, C>T on the plus strand (G>A on the coding strand, the complement: LYST is on the minus strand). VCF-style: chr1-235806459-C-T. GRCh37 (hg19) VCF-style: chr1-235969759-C-T.
Other names: c.2677G>A, p.Val893Ile (NM_001301365.1); short protein forms V893I.
Identifiers: ClinVar variation 1922403 (VCV001922403.8), dbSNP rs942149206, ClinGen allele CA39616333.

ClinVar aggregate classification (germline): Uncertain significance. Review status: criteria provided, multiple submitters, no conflicts (2 of 4 stars). 2 submissions from 2 submitters: Uncertain significance (2). Last evaluated 2024-10-26.

Conditions:
Chédiak-Higashi syndrome (CHS). Also called: Chediak-Higashi Syndrome. Identifiers: Orphanet 167, MedGen C0007965, MONDO:0008963, OMIM 214500.

Allele frequency attached by ClinVar (database versions not stated): gnomAD exomes below 0.00001; gnomAD 0.00002; TOPMed 0.00003.
gnomAD v4.1: 5 of 1,613,928 alleles (0.00031%); highest among the groups gnomAD compares: African/African-American, 0.0013%; no homozygotes.

Submissions (2):

Labcorp Genetics (formerly Invitae), Labcorp
Classification: Uncertain significance for Chédiak-Higashi syndrome. Last evaluated: 2024-10-26. Review status: criteria provided, single submitter. Criteria: Invitae Variant Classification Sherloc (09022015). Collection method: clinical testing. Allele origin: germline.
Comment: This sequence change replaces valine, which is neutral and non-polar, with isoleucine, which is neutral and non-polar, at codon 893 of the LYST protein (p.Val893Ile). This variant is present in population databases (no rsID available, gnomAD 0.02%). This variant has not been reported in the literature in individuals affected with LYST-related conditions. ClinVar contains an entry for this variant (Variation ID: 1922403). Invitae Evidence Modeling of protein sequence and biophysical properties (such as structural, functional, and spatial information, amino acid conservation, physicochemical variation, residue mobility, and thermodynamic stability) indicates that this missense variant is not expected to disrupt LYST protein function with a negative predictive value of 80%. In summary, the available evidence is currently insufficient to determine the role of this variant in disease. Therefore, it has been classified as a Variant of Uncertain Significance.

Revvity Omics, Revvity
Classification: Uncertain significance for Chédiak-Higashi syndrome. Last evaluated: 2019-12-13. Review status: criteria provided, single submitter. Criteria: ACMG Guidelines, 2015. Collection method: clinical testing. Allele origin: germline.